The following is an entry in ClinVar:

ClinVar aggregate classification (germline): Uncertain significance (1 of 4 stars; one submission).

Conditions:
Hereditary cancer-predisposing syndrome. Also called: Tumor predisposition; Hereditary neoplastic syndrome; Hereditary Cancer Syndrome; Neoplastic Syndromes, Hereditary. Identifiers: Orphanet 140162, MedGen C0027672, MeSH D009386, MONDO:0015356.

Submission:

Ambry Genetics
Classification: Uncertain significance for Hereditary cancer-predisposing syndrome. Last evaluated: 2025-04-10. Review status: criteria provided, single submitter. Criteria: Ambry Variant Classification Scheme 2023. Collection method: clinical testing. Allele origin: germline.
Comment: The p.S20I variant (also known as c.59G>T), located in coding exon 1 of the POLE gene, results from a G to T substitution at nucleotide position 59. The serine at codon 20 is replaced by isoleucine, an amino acid with dissimilar properties. This amino acid position is conserved. In addition, this alteration is predicted to be tolerated by in silico analysis. Based on the available evidence, the clinical significance of this variant remains unclear.

NM_006231.4(POLE):c.59G>T (p.Ser20Ile)

Genes: POLE (DNA polymerase epsilon, catalytic subunit; minus strand), LOC130009266 (ATAC-STARR-seq lymphoblastoid silent region 5123; plus strand). Cytogenetic location: 12q24.33.
Variant type: single nucleotide variant.
Coding change: c.59G>T on transcript NM_006231.4 (MANE Select); coding-DNA position 59, G replaced by T.
Protein change: p.Ser20Ile; replaces serine 20 with isoleucine.
Molecular consequence: missense variant.
Genome position (GRCh38, 1-based): chr12:132,687,257, C>A on the plus strand (G>T on the coding strand, the complement: POLE is on the minus strand). VCF-style: chr12-132687257-C-A. GRCh37 (hg19) VCF-style: chr12-133263843-C-A.
Other names: short protein forms S20I.
Identifiers: ClinVar variation 3935723 (VCV003935723.1).